The following is an entry in ClinVar:

NM_020135.3(WRNIP1):c.702C>T (p.Asp234=)

Genes: MYLK4 (myosin light chain kinase family member 4; minus strand), WRNIP1 (WRN helicase interacting protein 1; plus strand). Cytogenetic location: 6p25.2.
Variant type: single nucleotide variant.
Coding change: c.702C>T on transcript NM_020135.3 (MANE Select); coding-DNA position 702, C replaced by T.
Protein change: p.Asp234=; no amino-acid change (aspartic acid 234 retained).
Molecular consequence: synonymous variant. On other transcripts: intron variant (1).
Genome position (GRCh38, 1-based): chr6:2,766,324, C>T. VCF-style: chr6-2766324-C-T. GRCh37 (hg19) VCF-style: chr6-2766558-C-T.
Other names: c.702C>T, p.Asp234= (NM_130395.3); c.56+3734G>A (NM_001347872.2).
Identifiers: ClinVar variation 2656176 (VCV002656176.22), dbSNP rs145648667, ClinGen allele CA3616115.

ClinVar aggregate classification (germline): Likely benign (1 of 4 stars; one submission).

Allele frequency attached by ClinVar (database versions not stated): TOPMed 0.00004; ExAC 0.00005; gnomAD 0.00002; ESP Exome Variant Server 0.00015.
gnomAD v4.1: 41 of 1,610,624 alleles (0.0025%); highest among the groups gnomAD compares: East Asian, 0.016%; no homozygotes.

Submission:

CeGaT Center for Human Genetics Tuebingen
Classification: Likely benign. Last evaluated: 2022-03-01. Review status: criteria provided, single submitter. Criteria: CeGaT Center For Human Genetics Tuebingen Variant Classification Criteria Version 2. Collection method: clinical testing. Allele origin: germline. Affected: yes. Observed: 1 variant allele.
Comment: WRNIP1: BP4, BP7